The following is an entry in ClinVar:

NM_001355283.3(RPSA2):c.774T>A (p.Pro258=)

Gene: RPSA2 (ribosomal protein SA 2; plus strand). Cytogenetic location: 19p12.
Variant type: single nucleotide variant.
Coding change: c.774T>A on transcript NM_001355283.3 (MANE Select); coding-DNA position 774, T replaced by A.
Protein change: p.Pro258=; no amino-acid change (proline 258 retained).
Molecular consequence: synonymous variant.
Genome position (GRCh38, 1-based): chr19:23,827,935, T>A. VCF-style: chr19-23827935-T-A. GRCh37 (hg19) VCF-style: chr19-24010737-T-A.
Other names: c.774T>A, p.Pro258= (NM_001355287.3, NM_001387845.1, NM_001387846.1).
Identifiers: ClinVar variation 2649666 (VCV002649666.23), dbSNP rs549448615, ClinGen allele CA9349421.

ClinVar aggregate classification (germline): Likely benign (1 of 4 stars; one submission).

Allele frequency attached by ClinVar (database versions not stated): ExAC 0.00094; TOPMed 0.00097; 1000 Genomes Project 0.00120; 1000 Genomes Project 30x 0.00125; gnomAD 0.00135; gnomAD exomes 0.00166.
gnomAD v4.1: 1,407 of 890,106 alleles (0.16%); highest among the groups gnomAD compares: Non-Finnish European, 0.21%; 2 homozygotes.

Submission:

CeGaT Center for Human Genetics Tuebingen
Classification: Likely benign. Last evaluated: 2022-05-01. Review status: criteria provided, single submitter. Criteria: CeGaT Center For Human Genetics Tuebingen Variant Classification Criteria Version 2. Collection method: clinical testing. Allele origin: germline. Affected: yes. Observed: 1 variant allele.
Comment: RPSA2: BP4, BP7